The following is an entry in ClinVar:

ClinVar aggregate classification (germline): Conflicting classifications of pathogenicity. Review status: criteria provided, conflicting classifications (1 of 4 stars). 7 submissions from 7 submitters: Pathogenic (2); Likely pathogenic (3); Uncertain significance (1). 1 of the submissions does not count toward it. Last evaluated 2026-03-09.

Conditions:
Glycine encephalopathy 1 (GCE1). Identifiers: MedGen CN376801, MONDO:0958179, OMIM 605899.
Glycine encephalopathy. Also called: Nonketotic hyperglycinemia; Non-ketotic hyperglycinemia. Identifiers: Orphanet 407, MedGen C0751748, MONDO:0011612, HP:0008288.

Allele frequency attached by ClinVar (database versions not stated): gnomAD exomes 0.00001.

Submissions (7):

Myriad Genetics, Inc.
Classification: Uncertain significance for Glycine encephalopathy 1. Last evaluated: 2026-03-09. Review status: criteria provided, single submitter. Criteria: Myriad Autosomal Dominant, Autosomal Recessive and X-Linked Classification Criteria (2023). Collection method: clinical testing. Allele origin: unknown.
Comment: NM_000170.2(GLDC):c.245T>C(L82S) is a missense variant classified as a variant of uncertain significance in the context of glycine encephalopathy, GLDC-related. L82S has been observed in cases with relevant disease (PMID: 26179960, 32523032). Relevant functional assessments of this variant are available in the literature (PMID: 26179960). L82S has not been observed in referenced population frequency databases. In summary, there is insufficient evidence to classify NM_000170.2(GLDC):c.245T>C(L82S) as pathogenic or benign. Please note: this variant was assessed in the context of healthy population screening.

Women's Health and Genetics/Laboratory Corporation of America, LabCorp
Classification: Likely pathogenic for Glycine encephalopathy. Last evaluated: 2025-07-18. Review status: criteria provided, single submitter. Criteria: LabCorp Variant Classification Summary - May 2015. Collection method: clinical testing. Allele origin: germline.
Comment: Variant summary: GLDC c.245T>C (p.Leu82Ser) results in a non-conservative amino acid change in the encoded protein sequence. Algorithms developed to predict the effect of missense changes on protein structure and function all suggest that this variant is likely to be disruptive. The frequency data for this variant in gnomAD is considered unreliable, as metrics indicate poor data quality at this position. c.245T>C has been observed in the presumed compound heterozygous state in individual(s) affected with Glycine Encephalopathy (Non-Ketotic Hyperglycinemia)(example, Swanson_2015). A different missense variant at this codon has been classified as likely pathogenic/pathogenic by our laboratory (c.245T>G p.Leu82Trp), supporting the critical relevance of codon 82 for GLDC protein function. At least one publication reports experimental evidence evaluating an impact on protein function. The most pronounced variant effect results in 30%-50% of normal activity (Swanson_2015). ClinVar contains an entry for this variant (Variation ID: 555868). Based on the evidence outlined above, the variant was classified as likely pathogenic.

Natera, Inc.
Classification: Likely pathogenic for Non-ketotic hyperglycinemia. Last evaluated: 2025-04-14. Review status: criteria provided, single submitter. Criteria: Natera Variant Classification Schema (03/2026). Collection method: clinical testing. Allele origin: germline.
Comment: The c.245T>C variant in GLDC is a missense variant predicted to cause substitution of leucine to serine at amino acid 82. This variant is rare in the general population with a frequency below the threshold expected for the associated phenotype(s). This variant has been observed in one or more individuals affected with the associated recessive disease, as either homozygous or compound heterozygous with a second variant (PMID: 26179960). A different variant at the same position has been determined to be Pathogenic or Likely Pathogenic. Computational prediction algorithms indicate this variant is likely to affect gene or protein function. Given the available evidence, this variant is classified as Likely Pathogenic.

GeneDx
Classification: Pathogenic. Last evaluated: 2024-12-18. Review status: criteria provided, single submitter. Criteria: GeneDx Variant Classification Process June 2021. Collection method: clinical testing. Allele origin: germline. Affected: yes.
Comment: Published functional studies demonstrate reduced enzyme activity (PMID: 26179960); Not observed at significant frequency in large population cohorts (gnomAD); In silico analysis supports that this missense variant has a deleterious effect on protein structure/function; This variant is associated with the following publications: (PMID: 26179960)

Fulgent Genetics
Classification: Likely pathogenic for Glycine encephalopathy 1. Last evaluated: 2024-03-30. Review status: criteria provided, single submitter. Criteria: ACMG Guidelines, 2015. Collection method: clinical testing. Allele origin: germline.

Labcorp Genetics (formerly Invitae), Labcorp
Classification: Pathogenic for Glycine encephalopathy. Last evaluated: 2024-03-14. Review status: criteria provided, single submitter. Criteria: Invitae Variant Classification Sherloc (09022015). Collection method: clinical testing. Allele origin: germline.
Comment: This sequence change replaces leucine, which is neutral and non-polar, with serine, which is neutral and polar, at codon 82 of the GLDC protein (p.Leu82Ser). This variant is not present in population databases (gnomAD no frequency). This missense change has been observed in individual(s) with GLDC-related conditions (PMID: 26179960). In at least one individual the data is consistent with being in trans (on the opposite chromosome) from a pathogenic variant. ClinVar contains an entry for this variant (Variation ID: 555868). Advanced modeling of protein sequence and biophysical properties (such as structural, functional, and spatial information, amino acid conservation, physicochemical variation, residue mobility, and thermodynamic stability) performed at Invitae indicates that this missense variant is not expected to disrupt GLDC protein function with a negative predictive value of 80%. This variant disrupts the p.Leu82 amino acid residue in GLDC. Other variant(s) that disrupt this residue have been determined to be pathogenic (PMID: 15192636, 26179960). This suggests that this residue is clinically significant, and that variants that disrupt this residue are likely to be disease-causing. For these reasons, this variant has been classified as Pathogenic.

Counsyl
Classification: Uncertain significance for Glycine encephalopathy 1. Last evaluated: 2017-12-29. Review status: no assertion criteria provided. Collection method: clinical testing. Allele origin: unknown. Not counted in ClinVar's aggregate classification.

Literature cited by the submitters: PubMed 26179960 (cited by 5 submitters); PubMed 32523032 (cited by Myriad Genetics, Inc.); PubMed 27362913 (cited by Women's Health and Genetics/Laboratory Corporation of America, LabCorp); PubMed 32421718 (cited by Women's Health and Genetics/Laboratory Corporation of America, LabCorp); PubMed 15192636 (cited by Labcorp Genetics (formerly Invitae), Labcorp).

NM_000170.3(GLDC):c.245T>C (p.Leu82Ser)

Gene: GLDC (glycine decarboxylase; minus strand). Cytogenetic location: 9p24.1.
Variant type: single nucleotide variant.
Coding change: c.245T>C on transcript NM_000170.3 (MANE Select); coding-DNA position 245, T replaced by C.
Protein change: p.Leu82Ser; replaces leucine 82 with serine.
Molecular consequence: missense variant.
Genome position (GRCh38, 1-based): chr9:6,645,255, A>G on the plus strand (T>C on the coding strand, the complement: GLDC is on the minus strand). VCF-style: chr9-6645255-A-G. GRCh37 (hg19) VCF-style: chr9-6645255-A-G.
Other names: short protein forms L82S.
Identifiers: ClinVar variation 555868 (VCV000555868.20), dbSNP rs386833559, ClinGen allele CA372886243.